The following is an entry in ClinVar:

ClinVar aggregate classification (germline): Uncertain significance. Review status: criteria provided, multiple submitters, no conflicts (2 of 4 stars). 2 submissions from 2 submitters: Uncertain significance (2). Last evaluated 2022-03-11.

Conditions:
Pancreatic cancer, susceptibility to, 1. Identifiers: Orphanet 1333, MedGen C1847351, MONDO:0011739, OMIM 606856.

Allele frequency attached by ClinVar (database versions not stated): gnomAD exomes below 0.00001.
gnomAD v4.1: 1 of 1,611,998 alleles (0.000062%); highest among the groups gnomAD compares: Non-Finnish European, 0.000085%; no homozygotes.

Submissions (2):

Ambry Genetics
Classification: Uncertain significance. Last evaluated: 2022-03-11. Review status: criteria provided, single submitter. Criteria: Ambry Variant Classification Scheme 2023. Collection method: clinical testing. Allele origin: germline.
Comment: The p.P653T variant (also known as c.1957C>A), located in coding exon 9 of the PALLD gene, results from a C to A substitution at nucleotide position 1957. The proline at codon 653 is replaced by threonine, an amino acid with highly similar properties. This amino acid position is conserved. In addition, the in silico prediction for this alteration is inconclusive. Since supporting evidence is limited at this time, the clinical significance of this alteration remains unclear.

Illumina Laboratory Services, Illumina
Classification: Uncertain significance for Pancreatic cancer, susceptibility to, 1. Last evaluated: 2018-01-13. Review status: criteria provided, single submitter. Criteria: ICSL Variant Classification Criteria 13 December 2019. Collection method: clinical testing. Allele origin: germline.

NM_001166108.2(PALLD):c.1957C>A (p.Pro653Thr)

Gene: PALLD (palladin, cytoskeletal associated protein; plus strand). Cytogenetic location: 4q32.3.
Variant type: single nucleotide variant.
Coding change: c.1957C>A on transcript NM_001166108.2 (MANE Select); coding-DNA position 1957, C replaced by A.
Protein change: p.Pro653Thr; replaces proline 653 with threonine.
Molecular consequence: missense variant.
Genome position (GRCh38, 1-based): chr4:168,711,916, C>A. VCF-style: chr4-168711916-C-A. GRCh37 (hg19) VCF-style: chr4-169633067-C-A.
Other names: c.811C>A, p.Pro271Thr (NM_001166109.2); c.1957C>A, p.Pro653Thr (NM_016081.4); short protein forms P653T, P271T.
Identifiers: ClinVar variation 900486 (VCV000900486.6), dbSNP rs1784873065, ClinGen allele CA358798923.